The following is an entry in ClinVar:

NM_015662.3(IFT172):c.2665G>T (p.Ala889Ser)

Genes: IFT172 (intraflagellar transport 172; minus strand), LOC126806174 (CDK7 strongly-dependent group 2 enhancer GRCh37_chr2:27681686-27682885; plus strand). Cytogenetic location: 2p23.3.
Variant type: single nucleotide variant.
Coding change: c.2665G>T on transcript NM_015662.3 (MANE Select); coding-DNA position 2665, G replaced by T.
Protein change: p.Ala889Ser; replaces alanine 889 with serine.
Molecular consequence: missense variant.
Genome position (GRCh38, 1-based): chr2:27,459,500, C>A on the plus strand (G>T on the coding strand, the complement: IFT172 is on the minus strand). VCF-style: chr2-27459500-C-A. GRCh37 (hg19) VCF-style: chr2-27682367-C-A.
Other names: c.2599G>T, p.Ala867Ser (NM_001410739.1); short protein forms A867S, A889S.
Identifiers: ClinVar variation 2038210 (VCV002038210.4), dbSNP rs1011528696, ClinGen allele CA44494822.
Genomic context (GRCh38, chr2:27,459,500, plus strand): 5'-TCCGGTCCTGTAGATCTAATATATAAATTGCCTTCTTCCACTGGCGGGCACCCAGGGCGG[C>A]CTCAATTGCCTTAATGGAGCACCTGGCAAAGTTGGGAAAGATATAAATATGTAGGATGAA-3'
Protein context (NP_056477.1, residues 879-899): EARCSIKAIE[Ala889Ser]ALGARQWKKA

ClinVar aggregate classification (germline): Uncertain significance (1 of 4 stars; one submission).

Conditions:
Short-rib thoracic dysplasia 10 with or without polydactyly (SRTD10). Identifiers: Orphanet 474, MedGen C3810175, MONDO:0014284, OMIM 615630.
Retinitis pigmentosa 71 (RP71). Identifiers: Orphanet 791, MedGen C4225342, MONDO:0014618, OMIM 616394.

Allele frequency attached by ClinVar (database versions not stated): gnomAD exomes below 0.00001; gnomAD 0.00001; TOPMed 0.00001.
gnomAD v4.1: 3 of 1,613,976 alleles (0.00019%); highest among the groups gnomAD compares: Non-Finnish European, 0.00025%; no homozygotes.

Submission:

Labcorp Genetics (formerly Invitae), Labcorp
Classification: Uncertain significance for Retinitis pigmentosa 71; Short-rib thoracic dysplasia 10 with or without polydactyly. Last evaluated: 2022-08-31. Review status: criteria provided, single submitter. Criteria: Invitae Variant Classification Sherloc (09022015). Collection method: clinical testing. Allele origin: germline.
Comment: In summary, the available evidence is currently insufficient to determine the role of this variant in disease. Therefore, it has been classified as a Variant of Uncertain Significance. Algorithms developed to predict the effect of missense changes on protein structure and function are either unavailable or do not agree on the potential impact of this missense change (SIFT: "Deleterious"; PolyPhen-2: "Benign"; Align-GVGD: "Class C0"). This variant has not been reported in the literature in individuals affected with IFT172-related conditions. This variant is not present in population databases (gnomAD no frequency). This sequence change replaces alanine, which is neutral and non-polar, with serine, which is neutral and polar, at codon 889 of the IFT172 protein (p.Ala889Ser).